The following is an entry in ClinVar:

ClinVar aggregate classification (germline): Conflicting classifications of pathogenicity. Review status: criteria provided, conflicting classifications (1 of 4 stars). 4 submissions from 4 submitters: Likely pathogenic (1); Uncertain significance (3). Last evaluated 2026-01-06.

Conditions:
Arterial calcification, generalized, of infancy, 2. Identifiers: Orphanet 51608, MedGen C3276161, MONDO:0013768, OMIM 614473.
Autosomal recessive inherited pseudoxanthoma elasticum (PXE). Identifiers: Orphanet 758, MedGen CN032334, MONDO:0009925, OMIM 264800.
Pseudoxanthoma elasticum, forme fruste. Also called: Pseudoxanthoma Elasticum, Incomplete; PSEUDOXANTHOMA ELASTICUM, HETEROZYGOUS. Identifiers: Orphanet 758, MedGen C1867450, MONDO:0008333, OMIM 177850.

Allele frequency attached by ClinVar (database versions not stated): gnomAD exomes 0.00001; TOPMed 0.00001; ExAC 0.00002; gnomAD 0.00003; ESP Exome Variant Server 0.00008.
gnomAD v4.1: 8 of 1,588,082 alleles (0.0005%); highest among the groups gnomAD compares: Admixed American, 0.0036%; no homozygotes.

Submissions (4):

Labcorp Genetics (formerly Invitae), Labcorp
Classification: Uncertain significance. Last evaluated: 2026-01-06. Review status: criteria provided, single submitter. Criteria: Invitae Variant Classification Sherloc (09022015). Collection method: clinical testing. Allele origin: germline.
Comment: This sequence change replaces leucine, which is neutral and non-polar, with histidine, which is basic and polar, at codon 953 of the ABCC6 protein (p.Leu953His). This variant is present in population databases (rs72657700, gnomAD 0.004%). This missense change has been observed in individual(s) with clinical features of pseudoxanthoma elasticum (PMID: 11536079, 34906475). ClinVar contains an entry for this variant (Variation ID: 433297). Invitae Evidence Modeling of protein sequence and biophysical properties (such as structural, functional, and spatial information, amino acid conservation, physicochemical variation, residue mobility, and thermodynamic stability) indicates that this missense variant is expected to disrupt ABCC6 protein function with a positive predictive value of 95%. In summary, the available evidence is currently insufficient to determine the role of this variant in disease. Therefore, it has been classified as a Variant of Uncertain Significance.

Fulgent Genetics
Classification: Likely pathogenic for Pseudoxanthoma elasticum, forme fruste; Autosomal recessive inherited pseudoxanthoma elasticum; Arterial calcification, generalized, of infancy, 2. Last evaluated: 2024-03-01. Review status: criteria provided, single submitter. Criteria: ACMG Guidelines, 2015. Collection method: clinical testing. Allele origin: germline.

Revvity Omics, Revvity
Classification: Uncertain significance. Last evaluated: 2021-06-24. Review status: criteria provided, single submitter. Criteria: ACMG Guidelines, 2015. Collection method: clinical testing. Allele origin: germline.

PXE International
Classification: Uncertain significance for Autosomal recessive inherited pseudoxanthoma elasticum. Last evaluated: 2021-02-02. Review status: criteria provided, single submitter. Criteria: Submitter's publication. Collection method: research. Allele origin: germline. Inheritance: Autosomal recessive inheritance. Affected: yes.

Literature cited by the submitters: PubMed 11536079 (cited by Labcorp Genetics (formerly Invitae), Labcorp); PubMed 34906475 (cited by Labcorp Genetics (formerly Invitae), Labcorp); PubMed 25062064 (cited by PXE International); PubMed 32873932 (cited by PXE International).

NM_001171.6(ABCC6):c.2858T>A (p.Leu953His)

Gene: ABCC6 (ATP binding cassette subfamily C member 6; minus strand). Cytogenetic location: 16p13.11.
Variant type: single nucleotide variant.
Coding change: c.2858T>A on transcript NM_001171.6 (MANE Select); coding-DNA position 2858, T replaced by A.
Protein change: p.Leu953His; replaces leucine 953 with histidine.
Molecular consequence: missense variant. On other transcripts: non-coding transcript variant (1).
Genome position (GRCh38, 1-based): chr16:16,169,783, A>T on the plus strand (T>A on the coding strand, the complement: ABCC6 is on the minus strand). VCF-style: chr16-16169783-A-T. GRCh37 (hg19) VCF-style: chr16-16263640-A-T.
Other names: c.2516T>A, p.Leu839His (NM_001351800.1); short protein forms L953H, L839H.
Identifiers: ClinVar variation 433297 (VCV000433297.14), dbSNP rs72657700, ClinGen allele CA7925764.